The following is an entry in ClinVar:

ClinVar aggregate classification (germline): Pathogenic (1 of 4 stars; one submission).

Conditions:
Cystic fibrosis (CF). Also called: MUCOVISCIDOSIS. Identifiers: Orphanet 586, MedGen C0010674, MONDO:0009061, OMIM 219700. Disease mechanism: loss of function.

Submission:

Labcorp Genetics (formerly Invitae), Labcorp
Classification: Pathogenic for Cystic fibrosis. Last evaluated: 2017-10-04. Review status: criteria provided, single submitter. Criteria: Invitae Variant Classification Sherloc (09022015). Collection method: clinical testing. Allele origin: germline.
Comment: This variant is an in-frame deletion of the genomic region encompassing exons 25-26 of the CFTR gene. It preserves the integrity of the reading frame. Deletions of exons 25-26 been reported in individuals affected with cystic fibrosis (PMID: 15024729, 16362824, 18683213). Due to alternative exon nomenclature, this variant is also known as deletion of exons 22-23 in the literature. This deletion disrupts the nucleotide binding domain (NBD2) of the CFTR protein, which is essential for ATP hydrolysis and proper CFTR function (PMID: 15284228). For these reasons, this variant has been classified as Pathogenic.

Literature cited by the submitters: PubMed 15284228; PubMed 18683213; PubMed 15024729; PubMed 16362824.

NC_000007.14:g.(?_117664682)_(117665570_?)del

Gene: CFTR (CF transmembrane conductance regulator; plus strand). Cytogenetic location: 7q31.2.
Variant type: Deletion.
Identifiers: ClinVar variation 455759 (VCV000455759.1).